The following is an entry in ClinVar:

NM_001943.5(DSG2):c.530T>C (p.Leu177Pro)

Gene: DSG2 (desmoglein 2; plus strand). Cytogenetic location: 18q12.1.
Variant type: single nucleotide variant.
Coding change: c.530T>C on transcript NM_001943.5 (MANE Select); coding-DNA position 530, T replaced by C.
Protein change: p.Leu177Pro; replaces leucine 177 with proline.
Molecular consequence: missense variant.
Genome position (GRCh38, 1-based): chr18:31,522,089, T>C. VCF-style: chr18-31522089-T-C. GRCh37 (hg19) VCF-style: chr18-29102052-T-C.
Other names: short protein forms L177P.
Identifiers: ClinVar variation 1968968 (VCV001968968.7), dbSNP rs2510911557, ClinGen allele CA402133296.
Genomic context (GRCh38, chr18:31,522,089, plus strand): 5'-GTAAATATGCTTAAAGTTGAATTTCATCTTAGACATCTTTATTTCTAATGCCAGATACTC[T>C]TGTGATGAAAATCAATGCAACAGATGCAGATGAGCCCAATACCCTGAATTCGAAAATTTC-3'
Protein context (NP_001934.2, residues 167-187): SVEELSAAHT[Leu177Pro]VMKINATDAD

ClinVar aggregate classification (germline): Uncertain significance. Review status: criteria provided, multiple submitters, no conflicts (2 of 4 stars). 2 submissions from 2 submitters: Uncertain significance (2). Last evaluated 2025-09-20.

Conditions:
Cardiovascular phenotype. Identifiers: MedGen CN230736.
Arrhythmogenic right ventricular dysplasia 10. Also called: ARRHYTHMOGENIC RIGHT VENTRICULAR DYSPLASIA, FAMILIAL, 10; Arrhythmogenic right ventricular dysplasia/cardiomyopathy, type 10; Arrhythmogenic Right Ventricular Dysplasia/Cardiomyopathy10. Identifiers: MedGen C1857777, MONDO:0012434, OMIM 610193.

Submissions (2):

Labcorp Genetics (formerly Invitae), Labcorp
Classification: Uncertain significance for Arrhythmogenic right ventricular dysplasia 10. Last evaluated: 2025-09-20. Review status: criteria provided, single submitter. Criteria: Invitae Variant Classification Sherloc (09022015). Collection method: clinical testing. Allele origin: germline.
Comment: This sequence change replaces leucine, which is neutral and non-polar, with proline, which is neutral and non-polar, at codon 177 of the DSG2 protein (p.Leu177Pro). This variant is not present in population databases (gnomAD no frequency). This variant has not been reported in the literature in individuals affected with DSG2-related conditions. ClinVar contains an entry for this variant (Variation ID: 1968968). Invitae Evidence Modeling of protein sequence and biophysical properties (such as structural, functional, and spatial information, amino acid conservation, physicochemical variation, residue mobility, and thermodynamic stability) indicates that this missense variant is not expected to disrupt DSG2 protein function with a negative predictive value of 95%. In summary, the available evidence is currently insufficient to determine the role of this variant in disease. Therefore, it has been classified as a Variant of Uncertain Significance.

Ambry Genetics
Classification: Uncertain significance for Cardiovascular phenotype. Last evaluated: 2023-07-15. Review status: criteria provided, single submitter. Criteria: Ambry Variant Classification Scheme 2023. Collection method: clinical testing. Allele origin: germline.
Comment: The p.L177P variant (also known as c.530T>C), located in coding exon 6 of the DSG2 gene, results from a T to C substitution at nucleotide position 530. The leucine at codon 177 is replaced by proline, an amino acid with similar properties. This amino acid position is conserved. In addition, the in silico prediction for this alteration is inconclusive. Since supporting evidence is limited at this time, the clinical significance of this alteration remains unclear.